The following is an entry in ClinVar:

NM_004336.5(BUB1):c.2253A>T (p.Leu751Phe)

Gene: BUB1 (BUB1 mitotic checkpoint serine/threonine kinase; minus strand). Cytogenetic location: 2q13.
Variant type: single nucleotide variant.
Coding change: c.2253A>T on transcript NM_004336.5 (MANE Select); coding-DNA position 2253, A replaced by T.
Protein change: p.Leu751Phe; replaces leucine 751 with phenylalanine.
Molecular consequence: missense variant.
Genome position (GRCh38, 1-based): chr2:110,649,328, T>A on the plus strand (A>T on the coding strand, the complement: BUB1 is on the minus strand). VCF-style: chr2-110649328-T-A. GRCh37 (hg19) VCF-style: chr2-111406905-T-A.
Other names: c.2193A>T, p.Leu731Phe (NM_001278616.2); c.2253A>T, p.Leu751Phe (NM_001278617.2); short protein forms L751F, L731F.
Identifiers: ClinVar variation 2451238 (VCV002451238.2), dbSNP rs757521205, ClinGen allele CA348209556.

ClinVar aggregate classification (germline): Uncertain significance (1 of 4 stars; one submission).

Submission:

Ambry Genetics
Classification: Uncertain significance. Last evaluated: 2022-12-05. Review status: criteria provided, single submitter. Criteria: Ambry Variant Classification Scheme 2023. Collection method: clinical testing. Allele origin: germline.
Comment: The p.L751F variant (also known as c.2253A>T), located in coding exon 19 of the BUB1 gene, results from an A to T substitution at nucleotide position 2253. The leucine at codon 751 is replaced by phenylalanine, an amino acid with highly similar properties. This amino acid position is conserved. In addition, this alteration is predicted to be tolerated by in silico analysis. Since supporting evidence is limited at this time, the clinical significance of this alteration remains unclear.